The following is an entry in ClinVar:

ClinVar aggregate classification (germline): Benign/Likely benign. Review status: criteria provided, multiple submitters, no conflicts (2 of 4 stars). 3 submissions from 3 submitters: Benign (1); Likely benign (2). Last evaluated 2025-07-18.

Conditions:
PNPT1-related disorder. Also called: PNPT1-related disorders; PNPT1-related condition.

Allele frequency attached by ClinVar (database versions not stated): gnomAD 0.00007; 1000 Genomes Project 0.00140; 1000 Genomes Project 30x 0.00172.
gnomAD v4.1: 207 of 1,612,676 alleles (0.013%); highest among the groups gnomAD compares: South Asian, 0.22%; 3 homozygotes.

Submissions (3):

PreventionGenetics, part of Exact Sciences
Classification: Likely benign for PNPT1-related condition. Last evaluated: 2025-07-18. Review status: criteria provided, single submitter. Criteria: ACMG Guidelines, 2015. Collection method: clinical testing. Allele origin: germline.
Comment: This variant is classified as likely benign based on ACMG/AMP sequence variant interpretation guidelines (Richards et al. 2015 PMID: 25741868, with internal and published modifications).

Labcorp Genetics (formerly Invitae), Labcorp
Classification: Benign. Last evaluated: 2025-07-13. Review status: criteria provided, single submitter. Criteria: Invitae Variant Classification Sherloc (09022015). Collection method: clinical testing. Allele origin: germline.

GeneDx
Classification: Likely benign. Last evaluated: 2021-04-27. Review status: criteria provided, single submitter. Criteria: GeneDx Variant Classification Process June 2021. Collection method: clinical testing. Allele origin: germline. Affected: yes.

NM_033109.5(PNPT1):c.739G>T (p.Val247Leu)

Gene: PNPT1 (polyribonucleotide nucleotidyltransferase 1; minus strand). Cytogenetic location: 2p16.1.
Variant type: single nucleotide variant.
Coding change: c.739G>T on transcript NM_033109.5 (MANE Select); coding-DNA position 739, G replaced by T.
Protein change: p.Val247Leu; replaces valine 247 with leucine.
Molecular consequence: missense variant.
Genome position (GRCh38, 1-based): chr2:55,673,020, C>A on the plus strand (G>T on the coding strand, the complement: PNPT1 is on the minus strand). VCF-style: chr2-55673020-C-A. GRCh37 (hg19) VCF-style: chr2-55900155-C-A.
Other names: short protein forms V247L.
Identifiers: ClinVar variation 1203150 (VCV001203150.12), dbSNP rs574988767, ClinGen allele CA1668356.